The following is an entry in ClinVar:

NM_000368.5(TSC1):c.2470A>G (p.Thr824Ala)

Gene: TSC1 (TSC complex subunit 1; minus strand). Cytogenetic location: 9q34.13.
Variant type: single nucleotide variant.
Coding change: c.2470A>G on transcript NM_000368.5 (MANE Select); coding-DNA position 2470, A replaced by G.
Protein change: p.Thr824Ala; replaces threonine 824 with alanine.
Molecular consequence: missense variant.
Genome position (GRCh38, 1-based): chr9:132,901,621, T>C on the plus strand (A>G on the coding strand, the complement: TSC1 is on the minus strand). VCF-style: chr9-132901621-T-C. GRCh37 (hg19) VCF-style: chr9-135777008-T-C.
Other names: c.2467A>G, p.Thr823Ala (NM_001162426.2); c.2317A>G, p.Thr773Ala (NM_001162427.2); c.2107A>G, p.Thr703Ala (NM_001362177.2); short protein forms T824A, T773A, T703A, T823A.
Identifiers: ClinVar variation 466081 (VCV000466081.16), dbSNP rs1554814639, ClinGen allele CA375358306.

ClinVar aggregate classification (germline): Uncertain significance. Review status: criteria provided, multiple submitters, no conflicts (2 of 4 stars). 4 submissions from 4 submitters: Uncertain significance (4). Last evaluated 2025-05-25.

Conditions:
Isolated focal cortical dysplasia type II (FCORD2). Also called: CORTICAL DYSPLASIA OF TAYLOR; Focal cortical dysplasia type II. Identifiers: Orphanet 268994, MedGen C1846385, MONDO:0011818, OMIM 607341, HP:0032051.
Hereditary cancer-predisposing syndrome. Also called: Hereditary neoplastic syndrome; Neoplastic Syndromes, Hereditary; Tumor predisposition; Hereditary Cancer Syndrome. Identifiers: Orphanet 140162, MedGen C0027672, MeSH D009386, MONDO:0015356.
Tuberous sclerosis 1 (TSC1). Identifiers: Orphanet 805, MedGen C1854465, MONDO:0008612, OMIM 191100.

Allele frequency attached by ClinVar (database versions not stated): gnomAD exomes below 0.00001; TOPMed below 0.00001.
gnomAD v4.1: 1 of 1,614,182 alleles (0.000062%); highest among the groups gnomAD compares: Admixed American, 0.0017%; no homozygotes.

Submissions (4):

Ambry Genetics
Classification: Uncertain significance for Hereditary cancer-predisposing syndrome. Last evaluated: 2025-05-25. Review status: criteria provided, single submitter. Criteria: Ambry Variant Classification Scheme 2023. Collection method: clinical testing. Allele origin: germline.
Comment: The p.T824A variant (also known as c.2470A>G), located in coding exon 17 of the TSC1 gene, results from an A to G substitution at nucleotide position 2470. The threonine at codon 824 is replaced by alanine, an amino acid with similar properties. This amino acid position is conserved. In addition, the in silico prediction for this alteration is inconclusive. Since supporting evidence is limited at this time, the clinical significance of this alteration remains unclear.

Labcorp Genetics (formerly Invitae), Labcorp
Classification: Uncertain significance for Tuberous sclerosis 1. Last evaluated: 2025-04-10. Review status: criteria provided, single submitter. Criteria: Invitae Variant Classification Sherloc (09022015). Collection method: clinical testing. Allele origin: germline.
Comment: This sequence change replaces threonine, which is neutral and polar, with alanine, which is neutral and non-polar, at codon 824 of the TSC1 protein (p.Thr824Ala). This variant is not present in population databases (gnomAD no frequency). This variant has not been reported in the literature in individuals affected with TSC1-related conditions. ClinVar contains an entry for this variant (Variation ID: 466081). Invitae Evidence Modeling of protein sequence and biophysical properties (such as structural, functional, and spatial information, amino acid conservation, physicochemical variation, residue mobility, and thermodynamic stability) indicates that this missense variant is not expected to disrupt TSC1 protein function with a negative predictive value of 95%. In summary, the available evidence is currently insufficient to determine the role of this variant in disease. Therefore, it has been classified as a Variant of Uncertain Significance.

Baylor Genetics
Classification: Uncertain significance for Isolated focal cortical dysplasia type II. Last evaluated: 2023-05-25. Review status: criteria provided, single submitter. Criteria: ACMG Guidelines, 2015. Collection method: clinical testing. Allele origin: unknown.

Greenwood Genetic Center Diagnostic Laboratories, Greenwood Genetic Center
Classification: Uncertain significance. Last evaluated: 2021-04-07. Review status: criteria provided, single submitter. Criteria: ACMG Guidelines, 2015. Collection method: clinical testing. Allele origin: germline. Affected: yes.
Comment: BP4, PM2